The following is an entry in ClinVar:

ClinVar aggregate classification (germline): Likely pathogenic (1 of 4 stars; one submission).

Conditions:
Inborn glycerol kinase deficiency. Also called: GK DEFICIENCY; GK1 DEFICIENCY; Deficiency of glycerol kinase; Hyperglycerolemia. Identifiers: Orphanet 308993, Orphanet 408, MedGen C0268418, MONDO:0010613, OMIM 307030, HP:0040302.

Submissions (2):

3billion
Classification: Likely pathogenic for Inborn glycerol kinase deficiency. Last evaluated: 2025-07-01. Review status: criteria provided, single submitter. Criteria: ACMG Guidelines, 2015. Collection method: clinical testing. Allele origin: germline. Affected: yes.
Comment: The variant is not observed in the gnomAD v4.1.0 dataset. Predicted Consequence/Location: Stop-gained (nonsense): predicted to result in a loss or disruption of normal protein function through nonsense-mediated decay (NMD) or protein truncation. Multiple pathogenic variants are reported downstream of the variant. Therefore, this variant is classified as Likely pathogenic according to the recommendation of ACMG/AMP guideline.

Dr. Peter K. Rogan Lab, Western University
No classification provided (evidence only). Condition: Nonpapillary renal cell carcinoma. Review status: no classification provided. Collection method: in vitro. Allele origin: not applicable. Functional consequence: skipped exon. Not counted in ClinVar's aggregate classification.

NM_001205019.2(GK):c.341G>A (p.Trp114Ter)

Gene: GK (glycerol kinase; plus strand). Cytogenetic location: Xp21.2.
Variant type: single nucleotide variant.
Coding change: c.341G>A on transcript NM_001205019.2 (MANE Select); coding-DNA position 341, G replaced by A.
Protein change: p.Trp114Ter; replaces tryptophan 114 with a stop codon.
Molecular consequence: nonsense. On other transcripts: non-coding transcript variant (7).
Genome position (GRCh38, 1-based): chrX:30,691,126, G>A. VCF-style: chrX-30691126-G-A. GRCh37 (hg19) VCF-style: chrX-30709243-G-A.
Other names: NC_000023.10:g.30709243G>A; c.341G>A, p.Trp114Ter (NM_000167.6, NM_001128127.3, NM_203391.4); c.425G>A, p.Trp142Ter (NM_001399987.1, NM_001437590.1); short protein forms W114*, W142*.
Identifiers: ClinVar variation 4486745 (VCV004486745.2).
Genomic context (GRCh38, chrX:30,691,126, plus strand): 5'-AAGTTCTTATTTTTTAAATGAAGTTTTTCATGTATATTATTTTATTTTGGTCTATAGTGT[G>A]GCTTGATCTAAGAACCCAGTCTACCGTTGAGAGTCTTAGTAAAAGAATTCCAGGAAATAA-3'